The following is an entry in ClinVar:

NM_020374.4(FERRY3):c.40G>T (p.Glu14Ter)

Gene: FERRY3 (FERRY endosomal RAB5 effector complex subunit 3; minus strand). Cytogenetic location: 12p13.32.
Variant type: single nucleotide variant.
Coding change: c.40G>T on transcript NM_020374.4 (MANE Select); coding-DNA position 40, G replaced by T.
Protein change: p.Glu14Ter; replaces glutamic acid 14 with a stop codon.
Molecular consequence: nonsense. On other transcripts: non-coding transcript variant (2), intron variant (3).
Genome position (GRCh38, 1-based): chr12:4,536,155, C>A on the plus strand (G>T on the coding strand, the complement: FERRY3 is on the minus strand). VCF-style: chr12-4536155-C-A. GRCh37 (hg19) VCF-style: chr12-4645321-C-A.
Other names: c.40G>T, p.Glu14Ter (NM_001304811.2, NM_001346153.2, NM_001346155.2); c.-567-1853G>T (NM_001352962.2); c.-341-1853G>T (NM_001346157.2, NM_001346156.2); short protein forms E14*.
Identifiers: ClinVar variation 3392870 (VCV003392870.1).

ClinVar aggregate classification (germline): Uncertain significance (1 of 4 stars; one submission).

gnomAD v4.1: 12 of 1,599,322 alleles (0.00075%); highest among the groups gnomAD compares: Admixed American, 0.019%; no homozygotes.

Submission:

GeneDx
Classification: Uncertain significance. Last evaluated: 2024-06-25. Review status: criteria provided, single submitter. Criteria: GeneDx Variant Classification Process June 2021. Collection method: clinical testing. Allele origin: germline. Affected: yes.
Comment: Nonsense variant predicted to result in protein truncation or nonsense mediated decay in a gene for which loss of function is a known mechanism of disease; Has not been previously published as pathogenic or benign to our knowledge